The following is an entry in ClinVar:

NM_020822.3(KCNT1):c.763del (p.Asp255fs)

Gene: KCNT1 (potassium sodium-activated channel subfamily T member 1; plus strand). Cytogenetic location: 9q34.3.
Variant type: Deletion.
Coding change: c.763del on transcript NM_020822.3 (MANE Select); coding-DNA position 763, one base deleted (G; older notation c.763delG).
Protein change: p.Asp255fs; shifts the reading frame from aspartic acid 255.
Molecular consequence: frameshift variant.
Genome position (GRCh38, 1-based): chr9:135,758,417, G deleted. VCF-style (leftmost placement, unchanged base first): chr9-135758416-TG-T. GRCh37 (hg19) VCF-style: chr9-138650262-TG-T.
Other names: c.619del, p.Asp207fs (NM_001272003.2); short protein forms D255fs, D207fs.
Identifiers: ClinVar variation 1366557 (VCV001366557.6), dbSNP rs755630818, ClinGen allele CA201460738.

ClinVar aggregate classification (germline): Uncertain significance (1 of 4 stars; one submission).

Conditions:
Autosomal dominant nocturnal frontal lobe epilepsy 5. Also called: CILIARY DYSKINESIA, PRIMARY, 28, WITH SITUS INVERSUS; KCNT1-Related Epilepsy; CILIARY DYSKINESIA, PRIMARY, 28, WITHOUT SITUS INVERSUS; Epilepsy, nocturnal frontal lobe, 5. Identifiers: Orphanet 98784, MedGen C3554306, MONDO:0014002, OMIM 615005.
Developmental and epileptic encephalopathy, 14 (DEE14). Also called: Early infantile epileptic encephalopathy 14. Identifiers: Orphanet 293181, MedGen C3554195, MONDO:0013989, OMIM 614959.

Allele frequency attached by ClinVar (database versions not stated): gnomAD exomes 0.00001.

Submission:

Labcorp Genetics (formerly Invitae), Labcorp
Classification: Uncertain significance for Autosomal dominant nocturnal frontal lobe epilepsy 5; Developmental and epileptic encephalopathy, 14. Last evaluated: 2021-07-09. Review status: criteria provided, single submitter. Criteria: Invitae Variant Classification Sherloc (09022015). Collection method: clinical testing. Allele origin: germline.
Comment: This sequence change creates a premature translational stop signal (p.Asp255Thrfs*48) in the KCNT1 gene. It is expected to result in an absent or disrupted protein product. However, the current clinical and genetic evidence is not sufficient to establish whether loss-of-function variants in KCNT1 cause disease. This variant is not present in population databases (ExAC no frequency). This variant has not been reported in the literature in individuals affected with KCNT1-related conditions. In summary, the available evidence is currently insufficient to determine the role of this variant in disease. Therefore, it has been classified as a Variant of Uncertain Significance.